The following is an entry in ClinVar:

NM_182961.4(SYNE1):c.19894-204G>A

Gene: SYNE1 (spectrin repeat containing nuclear envelope protein 1; minus strand). Cytogenetic location: 6q25.2.
Variant type: single nucleotide variant.
Coding change: c.19894-204G>A on transcript NM_182961.4 (MANE Select); 204 bases into the intron before coding-DNA position 19894, G replaced by A.
Molecular consequence: intron variant.
Genome position (GRCh38, 1-based): chr6:152,239,910, C>T on the plus strand (G>A on the coding strand, the complement: SYNE1 is on the minus strand). VCF-style: chr6-152239910-C-T. GRCh37 (hg19) VCF-style: chr6-152561045-C-T.
Other names: c.19681-204G>A (NM_033071.5).
Identifiers: ClinVar variation 670192 (VCV000670192.2), dbSNP rs1830820, ClinGen allele CA12338471.

ClinVar aggregate classification (germline): Benign. Review status: criteria provided, multiple submitters, no conflicts (2 of 4 stars). 2 submissions from 2 submitters: Benign (2). Last evaluated 2020-04-02.

Allele frequency attached by ClinVar (database versions not stated): gnomAD 0.74551 and 0.74578; TOPMed 0.74566; 1000 Genomes Project 30x 0.78389; 1000 Genomes Project 0.78614.
gnomAD v4.1: 113,299 of 152,086 alleles (74%); highest among the groups gnomAD compares: East Asian, 89%; 42,755 homozygotes.

Submissions (2):

Suna and Inan Kirac Foundation Neurodegeneration Research Laboratory, Koc University
Classification: Benign. Last evaluated: 2020-04-02. Review status: criteria provided, single submitter. Criteria: ACMG Guidelines, 2015. Collection method: case-control. Allele origin: germline.

GeneDx
Classification: Benign. Last evaluated: 2018-06-14. Review status: criteria provided, single submitter. Criteria: GeneDx Variant Classification (06012015). Collection method: clinical testing. Allele origin: germline. Affected: yes.
Comment: This variant is considered likely benign or benign based on one or more of the following criteria: it is a conservative change, it occurs at a poorly conserved position in the protein, it is predicted to be benign by multiple in silico algorithms, and/or has population frequency not consistent with disease.